The following is an entry in ClinVar:

NM_000515.5(GH1):c.516C>T (p.Phe172=)

Genes: GH-LCR (growth hormone locus control region; plus strand), GH1 (growth hormone 1; minus strand). Cytogenetic location: 17q23.3.
Variant type: single nucleotide variant.
Coding change: c.516C>T on transcript NM_000515.5 (MANE Select); coding-DNA position 516, C replaced by T.
Protein change: p.Phe172=; no amino-acid change (phenylalanine 172 retained).
Molecular consequence: synonymous variant.
Genome position (GRCh38, 1-based): chr17:63,917,447, G>A on the plus strand (C>T on the coding strand, the complement: GH1 is on the minus strand). VCF-style: chr17-63917447-G-A. GRCh37 (hg19) VCF-style: chr17-61994807-G-A.
Other names: c.471C>T, p.Phe157= (NM_022559.4); c.396C>T, p.Phe132= (NM_022560.4); c.516C>T (NM_000515.3).
Identifiers: ClinVar variation 3049530 (VCV003049530.3), dbSNP rs4080075, ClinGen allele CA8708132.

ClinVar aggregate classification (germline): Likely benign. Review status: criteria provided, single submitter (1 of 4 stars). 2 submissions from 2 submitters: Likely benign (1). 1 of the submissions does not count toward it. Last evaluated 2023-12-18.

Conditions:
Inborn genetic diseases. Identifiers: MedGen C0950123, MeSH D030342.
GH1-related disorder. Also called: GH1-related condition.

Allele frequency attached by ClinVar (database versions not stated): ExAC 0.00003; gnomAD exomes 0.00005; gnomAD 0.00008; TOPMed 0.00016; 1000 Genomes Project 30x 0.00047; 1000 Genomes Project 0.00060.
gnomAD v4.1: 81 of 1,613,962 alleles (0.005%); highest among the groups gnomAD compares: African/African-American, 0.025%; no homozygotes.

Submissions (2):

Ambry Genetics
Classification: Likely benign for Inborn genetic diseases. Last evaluated: 2023-12-18. Review status: criteria provided, single submitter. Criteria: Ambry Variant Classification Scheme 2023. Collection method: clinical testing. Allele origin: germline.

PreventionGenetics, part of Exact Sciences
Classification: Likely benign for GH1-related condition. Last evaluated: 2019-07-16. Review status: no assertion criteria provided. Collection method: clinical testing. Allele origin: germline. Not counted in ClinVar's aggregate classification.
Comment: This variant is classified as likely benign based on ACMG/AMP sequence variant interpretation guidelines (Richards et al. 2015 PMID: 25741868, with internal and published modifications).